The following is an entry in ClinVar:

NC_000004.11:g.(?_647641)_(648677_?)del

Gene: PDE6B (phosphodiesterase 6B; plus strand). Cytogenetic location: 4p16.3.
Variant type: Deletion.
Identifiers: ClinVar variation 1070608 (VCV001070608.3).

ClinVar aggregate classification (germline): Pathogenic (1 of 4 stars; one submission).

Submission:

Labcorp Genetics (formerly Invitae), Labcorp
Classification: Pathogenic. Last evaluated: 2020-03-04. Review status: criteria provided, single submitter. Criteria: Invitae Variant Classification Sherloc (09022015). Collection method: clinical testing. Allele origin: germline.
Comment: This variant has not been reported in the literature in individuals with PDE6B-related conditions. This variant is an out-of-frame deletion of the genomic region encompassing exon(s) 4-6 of the PDE6B gene. This is expected to create a premature translational stop signal and result in an absent or disrupted protein product. Loss-of-function variants in PDE6B are known to be pathogenic (PMID: 8394174, 8595886, 22334370). For these reasons, this variant has been classified as Pathogenic.

Literature cited by the submitters: PubMed 8394174; PubMed 8595886; PubMed 22334370.